The following is an entry in ClinVar:

ClinVar aggregate classification (germline): Uncertain significance (1 of 4 stars; one submission).

Submission:

GeneDx
Classification: Uncertain significance. Last evaluated: 2023-01-26. Review status: criteria provided, single submitter. Criteria: GeneDx Variant Classification Process June 2021. Collection method: clinical testing. Allele origin: germline.
Comment: Not observed at significant frequency in large population cohorts (gnomAD); In silico analysis supports that this missense variant has a deleterious effect on protein structure/function; Has not been previously published as pathogenic or benign to our knowledge

NM_032271.3(TRAF7):c.1865A>G (p.Asp622Gly)

Gene: TRAF7 (TNF receptor associated factor 7; plus strand). Cytogenetic location: 16p13.3.
Variant type: single nucleotide variant.
Coding change: c.1865A>G on transcript NM_032271.3 (MANE Select); coding-DNA position 1865, A replaced by G.
Protein change: p.Asp622Gly; replaces aspartic acid 622 with glycine.
Molecular consequence: missense variant.
Genome position (GRCh38, 1-based): chr16:2,176,167, A>G. VCF-style: chr16-2176167-A-G. GRCh37 (hg19) VCF-style: chr16-2226168-A-G.
Other names: short protein forms D622G.
Identifiers: ClinVar variation 2413031 (VCV002413031.3), dbSNP rs2545012337, ClinGen allele CA394335852.